The following is an entry in ClinVar:

ClinVar aggregate classification (germline): Uncertain significance. Review status: criteria provided, multiple submitters, no conflicts (2 of 4 stars). 3 submissions from 3 submitters: Uncertain significance (3). Last evaluated 2025-05-19.

Conditions:
Inborn genetic diseases. Identifiers: MedGen C0950123, MeSH D030342.
Immunodeficiency, common variable, 10. Also called: IMMUNODEFICIENCY, COMMON VARIABLE, WITH CENTRAL ADRENAL INSUFFICIENCY; DEFICIT IN ANTERIOR PITUITARY FUNCTION AND VARIABLE IMMUNODEFICIENCY. Identifiers: MedGen C3809991, MONDO:0014260, OMIM 615577.

Allele frequency attached by ClinVar (database versions not stated): gnomAD exomes below 0.00001.

Submissions (3):

Labcorp Genetics (formerly Invitae), Labcorp
Classification: Uncertain significance for Immunodeficiency, common variable, 10. Last evaluated: 2025-05-19. Review status: criteria provided, single submitter. Criteria: Invitae Variant Classification Sherloc (09022015). Collection method: clinical testing. Allele origin: germline.
Comment: This sequence change replaces alanine, which is neutral and non-polar, with proline, which is neutral and non-polar, at codon 588 of the NFKB2 protein (p.Ala588Pro). This variant is not present in population databases (gnomAD no frequency). This variant has not been reported in the literature in individuals affected with NFKB2-related conditions. ClinVar contains an entry for this variant (Variation ID: 1975791). An algorithm developed to predict the effect of missense changes on protein structure and function (PolyPhen-2) suggests that this variant is likely to be tolerated. In summary, the available evidence is currently insufficient to determine the role of this variant in disease. Therefore, it has been classified as a Variant of Uncertain Significance.

Ambry Genetics
Classification: Uncertain significance for Inborn genetic diseases. Last evaluated: 2024-11-26. Review status: criteria provided, single submitter. Criteria: Ambry Variant Classification Scheme 2023. Collection method: clinical testing. Allele origin: germline.

Revvity Omics, Revvity
Classification: Uncertain significance for Immunodeficiency, common variable, 10. Last evaluated: 2023-08-09. Review status: criteria provided, single submitter. Criteria: ACMG Guidelines, 2015. Collection method: clinical testing. Allele origin: germline.

NM_001322934.2(NFKB2):c.1762G>C (p.Ala588Pro)

Gene: NFKB2 (nuclear factor kappa B subunit 2; plus strand). Cytogenetic location: 10q24.32.
Variant type: single nucleotide variant.
Coding change: c.1762G>C on transcript NM_001322934.2 (MANE Select); coding-DNA position 1762, G replaced by C.
Protein change: p.Ala588Pro; replaces alanine 588 with proline.
Molecular consequence: missense variant.
Genome position (GRCh38, 1-based): chr10:102,400,455, G>C. VCF-style: chr10-102400455-G-C. GRCh37 (hg19) VCF-style: chr10-104160212-G-C.
Other names: c.1762G>C (NM_001077494.1); c.1762G>C, p.Ala588Pro (NM_001077493.1, NM_001077494.3, NM_001261403.3 and 2 more transcripts); c.1636G>C, p.Ala546Pro (NM_001322935.1); short protein forms A546P, A588P.
Identifiers: ClinVar variation 1975791 (VCV001975791.8), dbSNP rs2135437916, ClinGen allele CA377902215.
Genomic context (GRCh38, chr10:102,400,455, plus strand): 5'-CTGCGGGCAGGCGCTGGTGCTCCTGAGCTGCTGCGTGCACTGCTTCAGAGTGGAGCTCCT[G>C]CTGTGCCCCAGCTGTTGCATATGCCTGACTTTGAGGGTGAGCTCCCCATCTCACCTGACT-3'
Protein context (NP_001309863.1, residues 578-598): LRALLQSGAP[Ala588Pro]VPQLLHMPDF